The following is an entry in ClinVar:

NM_000494.4(COL17A1):c.*5G>C

Gene: COL17A1 (collagen type XVII alpha 1 chain; minus strand). Cytogenetic location: 10q25.1.
Variant type: single nucleotide variant.
Coding change: c.*5G>C on transcript NM_000494.4 (MANE Select); 5 bases downstream of the stop codon, G replaced by C.
Molecular consequence: 3 prime UTR variant.
Genome position (GRCh38, 1-based): chr10:104,032,230, C>G on the plus strand (G>C on the coding strand, the complement: COL17A1 is on the minus strand). VCF-style: chr10-104032230-C-G. GRCh37 (hg19) VCF-style: chr10-105791988-C-G.
Identifiers: ClinVar variation 3050565 (VCV003050565.2), dbSNP rs752421627, ClinGen allele CA5677549.

ClinVar aggregate classification (germline): Likely benign (0 of 4 stars; one submission).

Conditions:
COL17A1-related disorder. Also called: COL17A1-related condition.

Allele frequency attached by ClinVar (database versions not stated): gnomAD exomes below 0.00001; ExAC 0.00001.
gnomAD v4.1: 1 of 1,612,448 alleles (0.000062%); highest among the groups gnomAD compares: Non-Finnish European, 0.000085%; no homozygotes.

Submission:

PreventionGenetics, part of Exact Sciences
Classification: Likely benign for COL17A1-related condition. Last evaluated: 2024-01-19. Review status: no assertion criteria provided. Collection method: clinical testing. Allele origin: germline.
Comment: This variant is classified as likely benign based on ACMG/AMP sequence variant interpretation guidelines (Richards et al. 2015 PMID: 25741868, with internal and published modifications).